The following is an entry in ClinVar:

ClinVar aggregate classification (germline): Uncertain significance (1 of 4 stars; one submission).

Submission:

Laboratorio de Genetica e Diagnostico Molecular, Hospital Israelita Albert Einstein
Classification: Uncertain significance. Last evaluated: 2022-04-06. Review status: criteria provided, single submitter. Criteria: ACMG Guidelines, 2015. Collection method: clinical testing. Allele origin: germline. Affected: yes.
Comment: ACMG classification criteria: PM2, PP2, BP4

NM_001256012.3(MYH10):c.3374G>C (p.Gly1125Ala)

Gene: MYH10 (myosin heavy chain 10; minus strand). Cytogenetic location: 17p13.1.
Variant type: single nucleotide variant.
Coding change: c.3374G>C on transcript NM_001256012.3 (MANE Select); coding-DNA position 3374, G replaced by C.
Protein change: p.Gly1125Ala; replaces glycine 1125 with alanine.
Molecular consequence: missense variant.
Genome position (GRCh38, 1-based): chr17:8,506,330, C>G on the plus strand (G>C on the coding strand, the complement: MYH10 is on the minus strand). VCF-style: chr17-8506330-C-G. GRCh37 (hg19) VCF-style: chr17-8409648-C-G.
Other names: c.3308G>C, p.Gly1103Ala (NM_001256095.2); c.3311G>C, p.Gly1104Ala (NM_001375266.1); c.3281G>C, p.Gly1094Ala (NM_005964.5); short protein forms G1094A, G1103A, G1104A, G1125A.
Identifiers: ClinVar variation 1690597 (VCV001690597.2), dbSNP rs2151859267, ClinGen allele CA398036441.